The following is an entry in ClinVar:

NM_004329.3(BMPR1A):c.338del (p.Ser113fs)

Gene: BMPR1A (bone morphogenetic protein receptor type 1A; plus strand). Cytogenetic location: 10q23.2.
Variant type: Deletion.
Coding change: c.338del on transcript NM_004329.3 (MANE Select); coding-DNA position 338, one base deleted (C; older notation c.338delC).
Protein change: p.Ser113fs; shifts the reading frame from serine 113.
Molecular consequence: frameshift variant.
Genome position (GRCh38, 1-based): chr10:86,899,798, C deleted. VCF-style (leftmost placement, unchanged base first): chr10-86899797-TC-T. GRCh37 (hg19) VCF-style: chr10-88659554-TC-T.
Other names: c.338delC, p.Ser113Phefs (NM_001406559.1, NM_001406560.1, NM_001406561.1 and 22 more transcripts); c.254delC, p.Ser85Phefs (NM_001406584.1, NM_001406585.1, NM_001406586.1 and 2 more transcripts); short protein forms S113fs.
Identifiers: ClinVar variation 2006853 (VCV002006853.4), dbSNP rs2539489295, ClinGen allele CA2580082100.

ClinVar aggregate classification (germline): Pathogenic (1 of 4 stars; one submission).

Conditions:
Juvenile polyposis syndrome (JPS). Identifiers: Orphanet 2929, MedGen C0345893, MONDO:0017380, OMIM 174900.

Submission:

Labcorp Genetics (formerly Invitae), Labcorp
Classification: Pathogenic for Juvenile polyposis syndrome. Last evaluated: 2023-03-21. Review status: criteria provided, single submitter. Criteria: Invitae Variant Classification Sherloc (09022015). Collection method: clinical testing. Allele origin: germline.
Comment: This variant has not been reported in the literature in individuals affected with BMPR1A-related conditions. For these reasons, this variant has been classified as Pathogenic. ClinVar contains an entry for this variant (Variation ID: 2006853). This variant is not present in population databases (gnomAD no frequency). This sequence change creates a premature translational stop signal (p.Ser113Phefs*10) in the BMPR1A gene. It is expected to result in an absent or disrupted protein product. Loss-of-function variants in BMPR1A are known to be pathogenic (PMID: 11536076, 12417513).

Literature cited by the submitters: PubMed 11536076; PubMed 12417513.